The following is an entry in ClinVar:

NC_000003.11:g.(?_53428720)_(53778854_?)del

Gene: CACNA1D (calcium voltage-gated channel subunit alpha1 D; plus strand). Cytogenetic location: 3p21.1.
Variant type: Deletion.
Identifiers: ClinVar variation 1409917 (VCV001409917.2).

ClinVar aggregate classification (germline): Uncertain significance (1 of 4 stars; one submission).

Submission:

Labcorp Genetics (formerly Invitae), Labcorp
Classification: Uncertain significance. Last evaluated: 2021-09-06. Review status: criteria provided, single submitter. Criteria: Invitae Variant Classification Sherloc (09022015). Collection method: clinical testing. Allele origin: germline.
Comment: In summary, the available evidence is currently insufficient to determine the role of this variant in disease. Therefore, it has been classified as a Variant of Uncertain Significance. This variant has not been reported in the literature in individuals affected with CACNA1D-related conditions. This variant is a gross deletion of the genomic region encompassing exon(s) 1-24 of the CACNA1D gene, which includes the initiator codon. This deletion extends beyond the assayed region for this gene and therefore may encompass additional genes. It is expected to result in an absent or disrupted protein product. However, the current clinical and genetic evidence is not sufficient to establish whether loss-of-function variants in CACNA1D cause disease.